The following is an entry in ClinVar:

NM_000321.3(RB1):c.2237_2241del (p.Glu746fs)

Gene: RB1 (RB transcriptional corepressor 1; plus strand). Cytogenetic location: 13q14.2.
Variant type: Deletion.
Coding change: c.2237_2241del on transcript NM_000321.3 (MANE Select); coding-DNA positions 2237 to 2241, 5 bases deleted (AAGAG; older notation c.2237_2241delAAGAG).
Protein change: p.Glu746fs; shifts the reading frame from glutamic acid 746.
Molecular consequence: frameshift variant.
Genome position (GRCh38, 1-based): chr13:48,465,023-48,465,027, AAGAG deleted; deleting any 5 consecutive bases within chr13:48,465,021-48,465,027 gives the same sequence; the c. name uses the placement nearest the transcript's 3' end. VCF-style (leftmost placement, unchanged base first): chr13-48465020-AAGAAG-A. GRCh37 (hg19) VCF-style: chr13-49039156-AAGAAG-A.
Other names: c.2237_2241delAAGAG (NM_000321.3); short protein forms E746fs.
Identifiers: ClinVar variation 995909 (VCV000995909.3), dbSNP rs2138344622, ClinGen allele CA1139771734.
Genomic context (GRCh38, chr13:48,465,020, plus strand): 5'-TTTTTTTTTTTTTTTTTTTTTTTACTGTTCTTCCTCAGACATTCAAACGTGTTTTGATCA[AAGAAG>A]AGGAGTATGATTCTATTATAGTATTCTATAACTCGGTCTTCATGCAGAGACTGAAAACAA-3'

ClinVar aggregate classification (germline): Pathogenic. Review status: criteria provided, multiple submitters, no conflicts (2 of 4 stars). 3 submissions from 3 submitters: Pathogenic (3). Last evaluated 2025-07-30.

Conditions:
Retinoblastoma (RB1). Also called: RETINOBLASTOMA, SOMATIC. Identifiers: Orphanet 790, MedGen C0035335, MeSH D012175, MONDO:0008380, OMIM 180200, HP:0009919. Disease mechanism: loss of function. Inheritance: Both sporadic and heritable forms are tested..

Submissions (3):

Labcorp Genetics (formerly Invitae), Labcorp
Classification: Pathogenic for Retinoblastoma. Last evaluated: 2025-07-30. Review status: criteria provided, single submitter. Criteria: Invitae Variant Classification Sherloc (09022015). Collection method: clinical testing. Allele origin: germline.
Comment: This sequence change creates a premature translational stop signal (p.Glu746Glyfs*3) in the RB1 gene. It is expected to result in an absent or disrupted protein product. Loss-of-function variants in RB1 are known to be pathogenic (PMID: 17096365). This variant is not present in population databases (gnomAD no frequency). This premature translational stop signal has been observed in individual(s) with retinoblastoma (PMID: 34308366). ClinVar contains an entry for this variant (Variation ID: 995909). Algorithms developed to predict the effect of sequence changes on RNA splicing suggest that this variant may disrupt the consensus splice site. For these reasons, this variant has been classified as Pathogenic.

Genetic Diagnostic Laboratory, University of Pennsylvania School of Medicine
Classification: Pathogenic for Retinoblastoma. Last evaluated: 2024-05-20. Review status: criteria provided, single submitter. Criteria: ACMG Guidelines, 2015. Collection method: clinical testing. Allele origin: germline. Affected: yes. Observed: 4 variant alleles.
Comment: Case and Pedigree Information: BILATERAL CASES:4, UNILATERAL CASES:0, TOTAL CASES:4, PEDIGREES:4. ACMG Codes Applied:PVS1, PM2, PS4SUP

Department of Pediatrics, Memorial Sloan Kettering Cancer Center
Classification: Pathogenic for Retinoblastoma. Last evaluated: 2020-12-15. Review status: criteria provided, single submitter. Criteria: ACMG Guidelines, 2015. Collection method: research. Allele origin: germline. Affected: yes.

Literature cited by the submitters: PubMed 17096365 (cited by Labcorp Genetics (formerly Invitae), Labcorp); PubMed 34308366 (cited by Labcorp Genetics (formerly Invitae), Labcorp); PubMed 28873162 (cited by Department of Pediatrics, Memorial Sloan Kettering Cancer Center).